The following is an entry in ClinVar:

ClinVar aggregate classification (germline): Uncertain significance (1 of 4 stars; one submission).

Conditions:
Hereditary diffuse gastric adenocarcinoma (HDGC). Also called: DIFFUSE GASTRIC AND LOBULAR BREAST CANCER SYNDROME. Identifiers: Orphanet 26106, MedGen C1708349, MONDO:0007648, OMIM 137215.

Submission:

Labcorp Genetics (formerly Invitae), Labcorp
Classification: Uncertain significance for Hereditary diffuse gastric adenocarcinoma. Last evaluated: 2024-10-31. Review status: criteria provided, single submitter. Criteria: Invitae Variant Classification Sherloc (09022015). Collection method: clinical testing. Allele origin: germline.
Comment: This sequence change replaces cysteine, which is neutral and slightly polar, with glycine, which is neutral and non-polar, at codon 163 of the CDH1 protein (p.Cys163Gly). This variant is not present in population databases (gnomAD no frequency). This variant has not been reported in the literature in individuals affected with CDH1-related conditions. An algorithm developed to predict the effect of missense changes on protein structure and function (PolyPhen-2) suggests that this variant is likely to be disruptive. In summary, the available evidence is currently insufficient to determine the role of this variant in disease. Therefore, it has been classified as a Variant of Uncertain Significance.

NM_004360.5(CDH1):c.487T>G (p.Cys163Gly)

Gene: CDH1 (cadherin 1; plus strand). Cytogenetic location: 16q22.1.
Variant type: single nucleotide variant.
Coding change: c.487T>G on transcript NM_004360.5 (MANE Select); coding-DNA position 487, T replaced by G.
Protein change: p.Cys163Gly; replaces cysteine 163 with glycine.
Molecular consequence: missense variant. On other transcripts: 5 prime UTR variant (2).
Genome position (GRCh38, 1-based): chr16:68,808,523, T>G. VCF-style: chr16-68808523-T-G. GRCh37 (hg19) VCF-style: chr16-68842426-T-G.
Other names: c.487T>G, p.Cys163Gly (NM_001317184.2); c.-1129T>G (NM_001317185.2); c.-1333T>G (NM_001317186.2); short protein forms C163G.
Identifiers: ClinVar variation 3724354 (VCV003724354.2).
Genomic context (GRCh38, chr16:68,808,523, plus strand): 5'-CCCAACTCCTCTCCTGGCCTCAGAAGACAGAAGAGAGACTGGGTTATTCCTCCCATCAGC[T>G]GCCCAGAAAATGAAAAAGGCCCATTTCCTAAAAACCTGGTTCAGGTAGAGAAAGAAGTTC-3'
Protein context (NP_004351.1, residues 153-173): KRDWVIPPIS[Cys163Gly]PENEKGPFPK